The following is an entry in ClinVar:

ClinVar aggregate classification (germline): Likely benign. Review status: criteria provided, multiple submitters, no conflicts (2 of 4 stars). 13 submissions from 13 submitters: Likely benign (10). 3 of the submissions do not count toward it. Last evaluated 2026-01-27.

Conditions:
Cardiovascular phenotype. Identifiers: MedGen CN230736.
MYBPC3-related disorder. Also called: MYBPC3-related disorders; MYBPC3-related condition; MYBPC3-related disease.
Cardiomyopathy (CMYO). Also called: Cardiomyopathies. Identifiers: Orphanet 167848, MedGen C0878544, MONDO:0004994, HP:0001638. Inheritance: Various modes of inheritance.
Hypertrophic cardiomyopathy 4. Also called: Familial hypertrophic cardiomyopathy 4. Identifiers: MedGen C1861862, MONDO:0007268, OMIM 115197.
Hypertrophic cardiomyopathy. Also called: HYPERTROPHIC MYOCARDIOPATHY. Identifiers: Orphanet 217569, MedGen C0007194, MeSH D002312, MONDO:0005045, HP:0001639.

Allele frequency attached by ClinVar (database versions not stated): ExAC 0.00002; gnomAD exomes 0.00002; TOPMed 0.00003.
gnomAD v4.1: 37 of 1,611,978 alleles (0.0023%); highest among the groups gnomAD compares: Non-Finnish European, 0.003%; no homozygotes.

Submissions (13):

Labcorp Genetics (formerly Invitae), Labcorp
Classification: Likely benign for Hypertrophic cardiomyopathy. Last evaluated: 2026-01-27. Review status: criteria provided, single submitter. Criteria: Invitae Variant Classification Sherloc (09022015). Collection method: clinical testing. Allele origin: germline.

PreventionGenetics, part of Exact Sciences
Classification: Likely benign for MYBPC3-related condition. Last evaluated: 2025-05-21. Review status: criteria provided, single submitter. Criteria: ACMG Guidelines, 2015. Collection method: clinical testing. Allele origin: germline.
Comment: This variant is classified as likely benign based on ACMG/AMP sequence variant interpretation guidelines (Richards et al. 2015 PMID: 25741868, with internal and published modifications).

All of Us Research Program, National Institutes of Health
Classification: Likely benign for Hypertrophic cardiomyopathy. Last evaluated: 2023-12-13. Review status: criteria provided, single submitter. Criteria: ACMG Guidelines, 2015. Collection method: clinical testing. Allele origin: germline. Inheritance: Autosomal dominant inheritance. Observed: 11 variant alleles, 11 heterozygotes.
Comment: This study involves interpretation of variants in research participants for the purpose of population health screening. Participant phenotype was not available at the time of variant classification. Additional details can be found in publication PMID: 35346344, PMCID: PMC8962531

Blueprint Genetics
Classification: Likely benign. Last evaluated: 2022-07-01. Review status: criteria provided, single submitter. Criteria: ACMG Guidelines, 2015. Collection method: clinical testing. Allele origin: germline.

Women's Health and Genetics/Laboratory Corporation of America, LabCorp
Classification: Likely benign. Last evaluated: 2022-05-23. Review status: criteria provided, single submitter. Criteria: LabCorp Variant Classification Summary - May 2015. Collection method: clinical testing. Allele origin: germline.

GeneDx
Classification: Likely benign. Last evaluated: 2019-07-02. Review status: criteria provided, single submitter. Criteria: GeneDx Variant Classification Process June 2021. Collection method: clinical testing. Allele origin: germline. Affected: yes.
Comment: This variant is associated with the following publications: (PMID: 28679633)

Color Diagnostics, LLC DBA Color Health
Classification: Likely benign for Cardiomyopathy. Last evaluated: 2018-11-25. Review status: criteria provided, single submitter. Criteria: ACMG Guidelines, 2015. Collection method: clinical testing. Allele origin: germline.

Ambry Genetics
Classification: Likely benign for Cardiovascular phenotype. Last evaluated: 2017-01-26. Review status: criteria provided, single submitter. Criteria: Ambry Variant Classification Scheme 2023. Collection method: clinical testing. Allele origin: germline.

Genome Diagnostics Laboratory, University Medical Center Utrecht
Classification: Likely benign for Hypertrophic cardiomyopathy 4. Last evaluated: 2016-11-04. Review status: criteria provided, single submitter. Criteria: ACGS Guidelines, 2013. Collection method: clinical testing. Allele origin: germline. Affected: yes. Study: VKGL Data-share Consensus.

Laboratory for Molecular Medicine, Mass General Brigham Personalized Medicine
Classification: Likely benign. Last evaluated: 2013-05-31. Review status: criteria provided, single submitter. Criteria: LMM Criteria. Collection method: clinical testing. Allele origin: germline. Observed: 1 variant allele.
Comment: Gly531Gly in exon 17 of MYBPC3: This variant is not expected to have clinical si gnificance because it does not alter an amino acid residue and is not located wi thin the splice consensus sequence. Gly531Gly in exon 17 of MYBPC3 (allele freq uency = n/a)

Clinical Genetics DNA and cytogenetics Diagnostics Lab, Erasmus MC, Erasmus Medical Center
Classification: Likely benign. Review status: no assertion criteria provided. Collection method: clinical testing. Allele origin: germline. Affected: yes. Study: VKGL Data-share Consensus. Not counted in ClinVar's aggregate classification.

Clinical Genetics, Academic Medical Center
Classification: Likely benign. Review status: no assertion criteria provided. Collection method: clinical testing. Allele origin: germline. Affected: yes. Study: VKGL Data-share Consensus. Not counted in ClinVar's aggregate classification.

Diagnostic Laboratory, Department of Genetics, University Medical Center Groningen
Classification: Likely benign for Hypertrophic cardiomyopathy 4. Review status: no assertion criteria provided. Collection method: clinical testing. Allele origin: germline. Affected: yes. Study: VKGL Data-share Consensus. Not counted in ClinVar's aggregate classification.

NM_000256.3(MYBPC3):c.1593G>A (p.Gly531=)

Gene: MYBPC3 (myosin binding protein C3; minus strand). Cytogenetic location: 11p11.2.
Variant type: single nucleotide variant.
Coding change: c.1593G>A on transcript NM_000256.3 (MANE Select); coding-DNA position 1593, G replaced by A.
Protein change: p.Gly531=; no amino-acid change (glycine 531 retained).
Molecular consequence: synonymous variant.
Genome position (GRCh38, 1-based): chr11:47,342,609, C>T on the plus strand (G>A on the coding strand, the complement: MYBPC3 is on the minus strand). VCF-style: chr11-47342609-C-T. GRCh37 (hg19) VCF-style: chr11-47364160-C-T.
Identifiers: ClinVar variation 164108 (VCV000164108.29), dbSNP rs727503199, ClinGen allele CA010688.